The following is an entry in ClinVar:

NM_020702.5(MYORG):c.1086CTTCGA[1] (p.363FD[1])

Gene: MYORG (myogenesis regulating glycosidase; minus strand). Cytogenetic location: 9p13.3.
Variant type: Microsatellite.
Coding change: c.1086CTTCGA[1] on transcript NM_020702.5 (MANE Select); one copy of the 6-base unit CTTCGA starting at c.1086; the reference has two copies in a row; one copy, 6 bases deleted; also written c.1092_1097del.
Protein change: p.363FD[1].
Molecular consequence: inframe deletion.
Genome position (GRCh38, 1-based): chr9:34,371,847-34,371,852, TCGAAG deleted on the plus strand (CTTCGA on the coding strand, the reverse complement: MYORG is on the minus strand); deleting any 6 consecutive bases within chr9:34,371,847-34,371,861 gives the same sequence; the position shown is the placement nearest the transcript's 3' end. VCF-style (leftmost placement, unchanged base first): chr9-34371846-ATCGAAG-A. GRCh37 (hg19) VCF-style: chr9-34371844-ATCGAAG-A.
Other names: c.1092_1097del (NM_020702.5).
Identifiers: ClinVar variation 692185 (VCV000692185.28), dbSNP rs1398218251, ClinGen allele CA863477041.
Genomic context (GRCh38, chr9:34,371,846, plus strand): 5'-GCGGAAGCCGGCGTCGCGCAGGCGGCGGAACATGTCGCTGGCGTTGGGGAATTTGACCTC[ATCGAAG>A]TCGAAGTCGCCATAAGCAGGTGTGTACATGTCGTCGATTTCCAGGTGGCTGCTGTTGAAG-3'

ClinVar aggregate classification (germline): Conflicting classifications of pathogenicity. Review status: criteria provided, conflicting classifications (1 of 4 stars). 5 submissions from 5 submitters: Likely pathogenic (1); Uncertain significance (4). Last evaluated 2024-03-26.

Conditions:
Basal ganglia calcification, idiopathic, 7, autosomal recessive. Also called: PRIMARY FAMILIAL BRAIN CALCIFICATION 7, AUTOSOMAL RECESSIVE. Identifiers: MedGen C5193025, MONDO:0032673, OMIM 618317.

Submissions (5):

Genomic Medicine Center of Excellence, King Faisal Specialist Hospital and Research Centre
Classification: Uncertain significance for Basal ganglia calcification, idiopathic, 7, autosomal recessive. Last evaluated: 2024-03-26. Review status: criteria provided, single submitter. Criteria: ACMG Guidelines, 2015. Collection method: clinical testing. Allele origin: germline.

CeGaT Center for Human Genetics Tuebingen
Classification: Uncertain significance. Last evaluated: 2023-10-01. Review status: criteria provided, single submitter. Criteria: CeGaT Center For Human Genetics Tuebingen Variant Classification Criteria Version 2. Collection method: clinical testing. Allele origin: germline. Affected: yes. Observed: 1 variant allele.
Comment: MYORG: PM2, PM4

Illumina Laboratory Services, Illumina
Classification: Likely pathogenic for Basal ganglia calcification, idiopathic, 7, autosomal recessive. Last evaluated: 2023-05-02. Review status: criteria provided, single submitter. Criteria: ICSLVariantClassificationCriteria RUGD 01 April 2020. Collection method: clinical testing. Allele origin: unknown.
Comment: The MYORG c.1092_1097del (p.Phe365_Asp366del) variant results in an in-frame deletion and resides in the glycosidase domain. This variant was identified in trans with a recurrent in-frame duplication in an individual with primary familial brain calcification (PFBC) (PMID: 29910000). The p.Phe365_Asp366del variant is not observed at a significant frequency in version 2.1.1 or version 3.1.2 of the Genome Aggregation Database. This variant has been identified in a compound heterozygous state. Based on the available evidence, the c.1092_1097del (p.Phe365_Asp366del) variant is classified as likely pathogenic for basal ganglia calcification.

3billion
Classification: Uncertain significance for Basal ganglia calcification, idiopathic, 7, autosomal recessive. Last evaluated: 2022-01-03. Review status: criteria provided, single submitter. Criteria: ACMG Guidelines, 2015. Collection method: clinical testing. Allele origin: germline. Affected: yes. Observed: 1 homozygote.
Comment: The variant has been reported to be associated with MYORG related disorder (PMID:29910000).It is not observed in the gnomAD v2.1.1 dataset (PM2_M). This inframe deletion in the non-repeat region can change the length of the protein and disrupt protein function (PM4_M). Therefore, this variant is classified as uncertain significance according to the recommendation of ACMG/AMP guideline.

SIB Swiss Institute of Bioinformatics
Classification: Uncertain significance for Basal ganglia calcification, idiopathic, 7, autosomal recessive. Last evaluated: 2019-06-13. Review status: criteria provided, single submitter. Criteria: ACMG Guidelines, 2015. Collection method: curation. Allele origin: unknown.
Comment: This variant is interpreted as a variant of Uncertain significance for Basal ganglia calcification, idiopathic, 7, autosomal recessive. The following ACMG Tag(s) were applied: PM2, PM3.

Literature cited by the submitters: PubMed 29910000 (cited by 3 submitters).